The following is an entry in ClinVar:

ClinVar aggregate classification (germline): Conflicting classifications of pathogenicity. Review status: criteria provided, conflicting classifications (1 of 4 stars). 3 submissions from 3 submitters: Likely pathogenic (2); Uncertain significance (1). Last evaluated 2024-09-30.

Conditions:
3-methylcrotonyl-CoA carboxylase 2 deficiency. Also called: METHYLCROTONYLGLYCINURIA, TYPE II; 3 alpha methylcrotonyl-CoA carboxylase 2 deficiency; 3 alpha methylcrotonylglycinuria 2; MCC 2 deficiency; Methylcrotonylglycinuria type 2. Identifiers: Orphanet 6, MedGen C1859499, MONDO:0008862, OMIM 210210.

Allele frequency attached by ClinVar (database versions not stated): gnomAD exomes below 0.00001; TOPMed 0.00001; gnomAD 0.00002.
gnomAD v4.1: 7 of 1,613,974 alleles (0.00043%); highest among the groups gnomAD compares: African/African-American, 0.0067%; no homozygotes.

Submissions (3):

Labcorp Genetics (formerly Invitae), Labcorp
Classification: Likely pathogenic for 3-methylcrotonyl-CoA carboxylase 2 deficiency. Last evaluated: 2024-09-30. Review status: criteria provided, single submitter. Criteria: Invitae Variant Classification Sherloc (09022015). Collection method: clinical testing. Allele origin: germline.
Comment: This sequence change replaces glycine, which is neutral and non-polar, with arginine, which is basic and polar, at codon 517 of the MCCC2 protein (p.Gly517Arg). This variant is present in population databases (no rsID available, gnomAD 0.01%). This missense change has been observed in individual(s) with clinical features of 3-methylcrotonyl-CoA carboxylase deficiency (PMID: 21071250; internal data). ClinVar contains an entry for this variant (Variation ID: 1066068). Invitae Evidence Modeling of protein sequence and biophysical properties (such as structural, functional, and spatial information, amino acid conservation, physicochemical variation, residue mobility, and thermodynamic stability) indicates that this missense variant is expected to disrupt MCCC2 protein function with a positive predictive value of 80%. In summary, the currently available evidence indicates that the variant is pathogenic, but additional data are needed to prove that conclusively. Therefore, this variant has been classified as Likely Pathogenic.

Fulgent Genetics
Classification: Likely pathogenic for 3-methylcrotonyl-CoA carboxylase 2 deficiency. Last evaluated: 2024-05-02. Review status: criteria provided, single submitter. Criteria: ACMG Guidelines, 2015. Collection method: clinical testing. Allele origin: germline.

Women's Health and Genetics/Laboratory Corporation of America, LabCorp
Classification: Uncertain significance. Last evaluated: 2024-01-23. Review status: criteria provided, single submitter. Criteria: LabCorp Variant Classification Summary - May 2015. Collection method: clinical testing. Allele origin: germline.
Comment: Variant summary: MCCC2 c.1549G>A (p.Gly517Arg) results in a non-conservative amino acid change located in the acetyl-coenzyme A carboxyltransferase, C-terminal domain (IPR011763) of the encoded protein sequence. Five of five in-silico tools predict a damaging effect of the variant on protein function. The variant was absent in 251394 control chromosomes (gnomAD). The available data on variant occurrences in the general population are insufficient to allow any conclusion about variant significance. c.1549G>A has been reported in the literature as a compound heterozygous genotype in an individual affected with Methylcrotonyl-CoA Carboxylase Deficiency (Nguyen_2011). These data do not allow any strong conclusion about variant significance. To our knowledge, no experimental evidence demonstrating an impact on protein function has been reported. The following publication has been ascertained in the context of this evaluation (PMID: 21071250). ClinVar contains an entry for this variant (Variation ID: 1066068). Based on the evidence outlined above, the variant was classified as uncertain significance.

Literature cited by the submitters: PubMed 21071250 (cited by Labcorp Genetics (formerly Invitae), Labcorp and Women's Health and Genetics/Laboratory Corporation of America, LabCorp).

NM_022132.5(MCCC2):c.1549G>A (p.Gly517Arg)

Gene: MCCC2 (methylcrotonyl-CoA carboxylase subunit 2; plus strand). Cytogenetic location: 5q13.2.
Variant type: single nucleotide variant.
Coding change: c.1549G>A on transcript NM_022132.5 (MANE Select); coding-DNA position 1549, G replaced by A.
Protein change: p.Gly517Arg; replaces glycine 517 with arginine.
Molecular consequence: missense variant.
Genome position (GRCh38, 1-based): chr5:71,652,729, G>A. VCF-style: chr5-71652729-G-A. GRCh37 (hg19) VCF-style: chr5-70948556-G-A.
Other names: c.1435G>A, p.Gly479Arg (NM_001363147.1); short protein forms G479R, G517R.
Identifiers: ClinVar variation 1066068 (VCV001066068.11), dbSNP rs979584886, ClinGen allele CA120006375.